The following is an entry in ClinVar:

NM_001112741.2(KCNC1):c.163TTC[2] (p.Phe57del)

Gene: KCNC1 (potassium voltage-gated channel subfamily C member 1; plus strand). Cytogenetic location: 11p15.1.
Variant type: Microsatellite.
Coding change: c.163TTC[2] on transcript NM_001112741.2 (MANE Select); two copies in a row of the 3-base unit TTC starting at c.163; the reference has three copies in a row; one copy, 3 bases deleted.
Protein change: p.Phe57del; deletes phenylalanine 57.
Molecular consequence: inframe deletion.
Genome position (GRCh38, 1-based): chr11:17,736,171-17,736,173, TTC deleted; deleting any 3 consecutive bases within chr11:17,736,165-17,736,173 gives the same sequence; the position shown is the placement nearest the transcript's 3' end. VCF-style (leftmost placement, unchanged base first): chr11-17736164-GTTC-G. GRCh37 (hg19) VCF-style: chr11-17757711-GTTC-G.
Other names: c.163TTC[2], p.Phe57del (NM_004976.4); short protein forms F57del.
Identifiers: ClinVar variation 1311535 (VCV001311535.5), dbSNP rs2133774127, ClinGen allele CA645596540.
Genomic context (GRCh38, chr11:17,736,164, plus strand): 5'-CGCCTGGCTGGCGGAGCCCGACGCCCACAGCCACTTCGACTATGACCCGCGTGCTGACGA[GTTC>G]TTCTTCGACCGCCACCCCGGCGTCTTCGCGCACATCCTGAACTACTACCGCACGGGCAAG-3'

ClinVar aggregate classification (germline): Uncertain significance. Review status: criteria provided, multiple submitters, no conflicts (2 of 4 stars). 2 submissions from 2 submitters: Uncertain significance (2). Last evaluated 2024-12-09.

Submissions (2):

GeneDx
Classification: Uncertain significance. Last evaluated: 2024-12-09. Review status: criteria provided, single submitter. Criteria: GeneDx Variant Classification Process June 2021. Collection method: clinical testing. Allele origin: germline. Affected: yes.
Comment: Not observed at significant frequency in large population cohorts (gnomAD); In-frame deletion of 1 amino acid in a non-repeat region; In silico analysis supports a deleterious effect on protein structure/function; Has not been previously published as pathogenic or benign to our knowledge

Blueprint Genetics
Classification: Uncertain significance. Last evaluated: 2023-10-12. Review status: criteria provided, single submitter. Criteria: ACMG Guidelines, 2015. Collection method: clinical testing. Allele origin: germline.